The following is an entry in ClinVar:

NM_002439.5(MSH3):c.1964T>C (p.Ile655Thr)

Gene: MSH3 (mutS homolog 3; plus strand). Cytogenetic location: 5q14.1.
Variant type: single nucleotide variant.
Coding change: c.1964T>C on transcript NM_002439.5 (MANE Select); coding-DNA position 1964, T replaced by C.
Protein change: p.Ile655Thr; replaces isoleucine 655 with threonine.
Molecular consequence: missense variant.
Genome position (GRCh38, 1-based): chr5:80,768,000, T>C. VCF-style: chr5-80768000-T-C. GRCh37 (hg19) VCF-style: chr5-80063819-T-C.
Other names: short protein forms I655T.
Identifiers: ClinVar variation 939131 (VCV000939131.12), dbSNP rs1341844785, ClinGen allele CA360277581.

ClinVar aggregate classification (germline): Uncertain significance. Review status: criteria provided, multiple submitters, no conflicts (2 of 4 stars). 3 submissions from 3 submitters: Uncertain significance (3). Last evaluated 2025-12-14.

Conditions:
Hereditary cancer-predisposing syndrome. Also called: Hereditary neoplastic syndrome; Neoplastic Syndromes, Hereditary; Tumor predisposition; Hereditary Cancer Syndrome. Identifiers: Orphanet 140162, MedGen C0027672, MeSH D009386, MONDO:0015356.
Endometrial carcinoma. Also called: Endometrial carcinoma, somatic. Identifiers: MedGen C0476089, MONDO:0002447, OMIM 608089, HP:0012114.

Allele frequency attached by ClinVar (database versions not stated): gnomAD exomes below 0.00001 and 0.00002; gnomAD 0.00002; TOPMed 0.00003.
gnomAD v4.1: 26 of 1,613,458 alleles (0.0016%); highest among the groups gnomAD compares: Non-Finnish European, 0.0022%; no homozygotes.

Submissions (3):

Labcorp Genetics (formerly Invitae), Labcorp
Classification: Uncertain significance. Last evaluated: 2025-12-14. Review status: criteria provided, single submitter. Criteria: Invitae Variant Classification Sherloc (09022015). Collection method: clinical testing. Allele origin: germline.
Comment: This sequence change replaces isoleucine, which is neutral and non-polar, with threonine, which is neutral and polar, at codon 655 of the MSH3 protein (p.Ile655Thr). This variant is present in population databases (no rsID available, gnomAD 0.002%). This variant has not been reported in the literature in individuals affected with MSH3-related conditions. ClinVar contains an entry for this variant (Variation ID: 939131). An algorithm developed to predict the effect of missense changes on protein structure and function (PolyPhen-2) suggests that this variant is likely to be tolerated. In summary, the available evidence is currently insufficient to determine the role of this variant in disease. Therefore, it has been classified as a Variant of Uncertain Significance.

Ambry Genetics
Classification: Uncertain significance for Hereditary cancer-predisposing syndrome. Last evaluated: 2024-11-20. Review status: criteria provided, single submitter. Criteria: Ambry Variant Classification Scheme 2023. Collection method: clinical testing. Allele origin: germline.
Comment: The p.I655T variant (also known as c.1964T>C), located in coding exon 14 of the MSH3 gene, results from a T to C substitution at nucleotide position 1964. The isoleucine at codon 655 is replaced by threonine, an amino acid with similar properties. This amino acid position is poorly conserved in available vertebrate species. In addition, the in silico prediction for this alteration is inconclusive. Based on the available evidence, the clinical significance of this variant remains unclear.

Baylor Genetics
Classification: Uncertain significance for Endometrial carcinoma. Last evaluated: 2023-12-01. Review status: criteria provided, single submitter. Criteria: ACMG Guidelines, 2015. Collection method: clinical testing. Allele origin: unknown.